The following is an entry in ClinVar:

ClinVar aggregate classification (germline): Benign. Review status: criteria provided, multiple submitters, no conflicts (2 of 4 stars). 5 submissions from 5 submitters: Benign (4). 1 of the submissions does not count toward it. Last evaluated 2026-02-03.

Conditions:
ACER3-related disorder. Also called: ACER3-related condition.

Allele frequency attached by ClinVar (database versions not stated): 1000 Genomes Project 30x 0.52046; 1000 Genomes Project 0.53295; TOPMed 0.56676; gnomAD 0.58886 and 0.59560; ESP Exome Variant Server 0.59928; gnomAD exomes 0.67907 and 0.72564.
gnomAD v4.1: 1,041,292 of 1,464,408 alleles (71%); highest among the groups gnomAD compares: Non-Finnish European, 75%; 383,244 homozygotes.

Submissions (5):

Labcorp Genetics (formerly Invitae), Labcorp
Classification: Benign. Last evaluated: 2026-02-03. Review status: criteria provided, single submitter. Criteria: Invitae Variant Classification Sherloc (09022015). Collection method: clinical testing. Allele origin: germline.

Blueprint Genetics
Classification: Benign. Last evaluated: 2024-11-27. Review status: criteria provided, single submitter. Criteria: ACMG Guidelines, 2015. Collection method: clinical testing. Allele origin: germline.

GeneDx
Classification: Benign. Last evaluated: 2020-06-11. Review status: criteria provided, single submitter. Criteria: GeneDx Variant Classification Process June 2021. Collection method: clinical testing. Allele origin: germline. Affected: yes.

Breakthrough Genomics
Classification: Benign. Review status: criteria provided, single submitter. Criteria: ACMG Guidelines, 2015. Collection method: not provided. Allele origin: germline. Inheritance: Autosomal recessive inheritance. Affected: yes.

PreventionGenetics, part of Exact Sciences
Classification: Benign for ACER3-related condition. Last evaluated: 2019-10-16. Review status: no assertion criteria provided. Collection method: clinical testing. Allele origin: germline. Not counted in ClinVar's aggregate classification.
Comment: This variant is classified as benign based on ACMG/AMP sequence variant interpretation guidelines (Richards et al. 2015 PMID: 25741868, with internal and published modifications).

NM_018367.7(ACER3):c.426G>A (p.Pro142=)

Gene: ACER3 (alkaline ceramidase 3; plus strand). Cytogenetic location: 11q13.5.
Variant type: single nucleotide variant.
Coding change: c.426G>A on transcript NM_018367.7 (MANE Select); coding-DNA position 426, G replaced by A.
Protein change: p.Pro142=; no amino-acid change (proline 142 retained).
Molecular consequence: synonymous variant.
Genome position (GRCh38, 1-based): chr11:76,990,562, G>A. VCF-style: chr11-76990562-G-A. GRCh37 (hg19) VCF-style: chr11-76701606-G-A.
Other names: c.141G>A, p.Pro47= (NM_001300955.2, NM_001300954.2); c.315G>A (NM_001300953.1); c.315G>A, p.Pro105= (NM_001300953.2).
Identifiers: ClinVar variation 1164299 (VCV001164299.15), dbSNP rs3740767, ClinGen allele CA6195679.